The following is an entry in ClinVar:

ClinVar aggregate classification (germline): Uncertain significance. Review status: criteria provided, multiple submitters, no conflicts (2 of 4 stars). 2 submissions from 2 submitters: Uncertain significance (2). Last evaluated 2022-06-05.

Conditions:
Inborn genetic diseases. Identifiers: MedGen C0950123, MeSH D030342.
MEGF10-related myopathy (CMYO10A). Also called: Congenital myopathy 10A, severe variant. Identifiers: Orphanet 439212, MedGen C3280679, MONDO:0013731, OMIM 614399.

Allele frequency attached by ClinVar (database versions not stated): gnomAD exomes 0.00002; TOPMed 0.00002; ExAC 0.00003; gnomAD 0.00003 and 0.00004.
gnomAD v4.1: 38 of 1,613,964 alleles (0.0024%); highest among the groups gnomAD compares: South Asian, 0.0033%; no homozygotes.

Submissions (2):

Labcorp Genetics (formerly Invitae), Labcorp
Classification: Uncertain significance for MEGF10-related myopathy. Last evaluated: 2022-06-05. Review status: criteria provided, single submitter. Criteria: Invitae Variant Classification Sherloc (09022015). Collection method: clinical testing. Allele origin: germline.
Comment: This sequence change replaces threonine, which is neutral and polar, with methionine, which is neutral and non-polar, at codon 288 of the MEGF10 protein (p.Thr288Met). This variant is present in population databases (rs781179892, gnomAD 0.004%). This variant has not been reported in the literature in individuals affected with MEGF10-related conditions. ClinVar contains an entry for this variant (Variation ID: 1377807). Algorithms developed to predict the effect of missense changes on protein structure and function are either unavailable or do not agree on the potential impact of this missense change (SIFT: "Deleterious"; PolyPhen-2: "Possibly Damaging"; Align-GVGD: "Class C0"). In summary, the available evidence is currently insufficient to determine the role of this variant in disease. Therefore, it has been classified as a Variant of Uncertain Significance.

Ambry Genetics
Classification: Uncertain significance for Inborn genetic diseases. Last evaluated: 2021-10-18. Review status: criteria provided, single submitter. Criteria: Ambry Variant Classification Scheme 2023. Collection method: clinical testing. Allele origin: germline.

NM_001256545.2(MEGF10):c.863C>T (p.Thr288Met)

Gene: MEGF10 (multiple EGF like domains 10; plus strand). Cytogenetic location: 5q23.2.
Variant type: single nucleotide variant.
Coding change: c.863C>T on transcript NM_001256545.2 (MANE Select); coding-DNA position 863, C replaced by T.
Protein change: p.Thr288Met; replaces threonine 288 with methionine.
Molecular consequence: missense variant.
Genome position (GRCh38, 1-based): chr5:127,402,628, C>T. VCF-style: chr5-127402628-C-T. GRCh37 (hg19) VCF-style: chr5-126738320-C-T.
Other names: c.863C>T, p.Thr288Met (NM_001308119.2, NM_001308121.2, NM_032446.3); c.863C>T (NM_032446.2); short protein forms T288M.
Identifiers: ClinVar variation 1377807 (VCV001377807.4), dbSNP rs781179892, ClinGen allele CA3391418.